The following is an entry in ClinVar:

NM_032531.4(KIRREL3):c.1977C>T (p.Pro659=)

Gene: KIRREL3 (kirre like nephrin family adhesion molecule 3; minus strand). Cytogenetic location: 11q24.2.
Variant type: single nucleotide variant.
Coding change: c.1977C>T on transcript NM_032531.4 (MANE Select); coding-DNA position 1977, C replaced by T.
Protein change: p.Pro659=; no amino-acid change (proline 659 retained).
Molecular consequence: synonymous variant.
Genome position (GRCh38, 1-based): chr11:126,424,940, G>A on the plus strand (C>T on the coding strand, the complement: KIRREL3 is on the minus strand). VCF-style: chr11-126424940-G-A. GRCh37 (hg19) VCF-style: chr11-126294835-G-A.
Other names: c.1941C>T, p.Pro647= (NM_001301097.2).
Identifiers: ClinVar variation 3057601 (VCV003057601.2), dbSNP rs767929793, ClinGen allele CA6355668.
Genomic context (GRCh38, chr11:126,424,940, plus strand): 5'-GTAGATGTTGGTGAAGGACATGCCTGTGGGCACACGCTGCTTGCCCGCAGGACGCAGGTC[G>A]GGCTGGCAGCTGGAGAGGGAGATGGTCGGGGTTGAGTGGTGCTCTTTGAAGGTGTTGACG-3'
Protein context (NP_115920.1, residues 649-669): TPTISLSSCQ[Pro659=]DLRPAGKQRV

ClinVar aggregate classification (germline): Likely benign (0 of 4 stars; one submission).

Conditions:
KIRREL3-related disorder. Also called: KIRREL3-related condition.

Allele frequency attached by ClinVar (database versions not stated): ExAC 0.00002.
gnomAD v4.1: 16 of 1,598,902 alleles (0.001%); highest among the groups gnomAD compares: African/African-American, 0.011%; no homozygotes.

Submission:

PreventionGenetics, part of Exact Sciences
Classification: Likely benign for KIRREL3-related condition. Last evaluated: 2019-03-14. Review status: no assertion criteria provided. Collection method: clinical testing. Allele origin: germline.
Comment: This variant is classified as likely benign based on ACMG/AMP sequence variant interpretation guidelines (Richards et al. 2015 PMID: 25741868, with internal and published modifications).